The following is an entry in ClinVar:

ClinVar aggregate classification (germline): Conflicting classifications of pathogenicity. Review status: criteria provided, conflicting classifications (1 of 4 stars). 5 submissions from 5 submitters: Uncertain significance (3); Benign (1); Likely benign (1). Last evaluated 2026-07-11.

Conditions:
Ehlers-Danlos syndrome, classic type, 1 (EDSCL1). Also called: EDS I; EHLERS-DANLOS SYNDROME, GRAVIS TYPE; EHLERS-DANLOS SYNDROME, SEVERE CLASSIC TYPE; Ehlers-Danlos Syndrome, Classic Type, COL5A1-Related; Ehlers-Danlos syndrome, type 1. Identifiers: MedGen C0268335, MONDO:0019567, OMIM 130000.
Familial thoracic aortic aneurysm and aortic dissection (TAAD). Also called: Thoracic aortic aneurysms and dissections. Identifiers: Orphanet 91387, MedGen C4707243, MONDO:0019625.

Allele frequency attached by ClinVar (database versions not stated): gnomAD exomes 0.00002 and 0.00004; gnomAD 0.00007 and 0.00009; TOPMed 0.00011; ExAC 0.00002.
gnomAD v4.1: 38 of 1,613,434 alleles (0.0024%); highest among the groups gnomAD compares: Middle Eastern, 0.033%; no homozygotes.

Submissions (5):

Ambry Genetics
Classification: Uncertain significance for Familial thoracic aortic aneurysm and aortic dissection. Last evaluated: 2026-07-11. Review status: criteria provided, single submitter. Criteria: Ambry Variant Classification Scheme 2023. Collection method: clinical testing. Allele origin: germline.
Comment: The p.K1391R variant (also known as c.4172A>G), located in coding exon 53 of the COL5A1 gene, results from an A to G substitution at nucleotide position 4172. The lysine at codon 1391 is replaced by arginine, an amino acid with highly similar properties. This amino acid position is conserved. In addition, the in silico prediction for this alteration is inconclusive. Based on the available evidence, the clinical significance of this variant remains unclear.

Women's Health and Genetics/Laboratory Corporation of America, LabCorp
Classification: Likely benign. Last evaluated: 2026-05-28. Review status: criteria provided, single submitter. Criteria: LabCorp Variant Classification Summary - May 2015. Collection method: clinical testing. Allele origin: germline.
Comment: Variant summary: COL5A1 c.4172A>G (p.Lys1391Arg) results in a conservative amino acid change in the encoded protein sequence. Algorithms developed to predict the effect of missense changes on protein structure and function are either unavailable or do not agree on the potential impact of this missense change. The variant allele was found at a frequency of 4e-05 in 251374 control chromosomes. The observed variant frequency exceeds the estimated maximal expected allele frequency for disease-causing variants in COL5A1. To our knowledge, no occurrence of c.4172A>G in individuals affected with COL5A1-related conditions and no experimental evidence demonstrating its impact on protein function have been reported. ClinVar contains an entry for this variant (Variation ID: 420679). Based on the evidence outlined above, the variant was classified as likely benign.

Labcorp Genetics (formerly Invitae), Labcorp
Classification: Benign for Ehlers-Danlos syndrome, classic type, 1. Last evaluated: 2025-08-24. Review status: criteria provided, single submitter. Criteria: Invitae Variant Classification Sherloc (09022015). Collection method: clinical testing. Allele origin: germline.

Revvity Omics, Revvity
Classification: Uncertain significance. Last evaluated: 2021-04-23. Review status: criteria provided, single submitter. Criteria: ACMG Guidelines, 2015. Collection method: clinical testing. Allele origin: germline.

GeneDx
Classification: Uncertain significance. Last evaluated: 2017-03-24. Review status: criteria provided, single submitter. Criteria: GeneDx Variant Classification (06012015). Collection method: clinical testing. Allele origin: germline. Affected: yes.
Comment: The K1391R variant in the COL5A1 gene has not been reported previously as a pathogenic variant, nor as a benign variant, to our knowledge. The K1391R variant is not observed at any significant frequency in large population cohorts (Lek et al., 2016; 1000 Genomes Consortium et al., 2015; Exome Variant Server). The K1391R variant is a conservative amino acid substitution, which is not likely to impact secondary protein structure as these residues share similar properties. This substitution occurs at a position that is conserved across species. In silico analysis is inconsistent in its predictions as to whether or not the variant is damaging to the protein structure/function. We interpret K1391R as a variant of uncertain significance.

NM_000093.5(COL5A1):c.4172A>G (p.Lys1391Arg)

Gene: COL5A1 (collagen type V alpha 1 chain; plus strand). Cytogenetic location: 9q34.3.
Variant type: single nucleotide variant.
Coding change: c.4172A>G on transcript NM_000093.5 (MANE Select); coding-DNA position 4172, A replaced by G.
Protein change: p.Lys1391Arg; replaces lysine 1391 with arginine.
Molecular consequence: missense variant.
Genome position (GRCh38, 1-based): chr9:134,817,075, A>G. VCF-style: chr9-134817075-A-G. GRCh37 (hg19) VCF-style: chr9-137708921-A-G.
Other names: c.4172A>G, p.Lys1391Arg (NM_001278074.1); short protein forms K1391R.
Identifiers: ClinVar variation 420679 (VCV000420679.16), dbSNP rs201801000, ClinGen allele CA5320159.